The following is an entry in ClinVar:

ClinVar aggregate classification (germline): Uncertain significance. Review status: criteria provided, multiple submitters, no conflicts (2 of 4 stars). 2 submissions from 2 submitters: Uncertain significance (2). Last evaluated 2023-12-30.

Conditions:
Inborn genetic diseases. Identifiers: MedGen C0950123, MeSH D030342.
Hyperinsulinism-hyperammonemia syndrome (HHF6). Identifiers: Orphanet 35878, MedGen C1847555, MONDO:0011717, OMIM 606762.

Allele frequency attached by ClinVar (database versions not stated): gnomAD exomes below 0.00001; TOPMed below 0.00001; ExAC 0.00001; gnomAD 0.00001.
gnomAD v4.1: 4 of 1,613,718 alleles (0.00025%); highest among the groups gnomAD compares: Non-Finnish European, 0.00025%; no homozygotes.

Submissions (2):

Ambry Genetics
Classification: Uncertain significance for Inborn genetic diseases. Last evaluated: 2023-12-30. Review status: criteria provided, single submitter. Criteria: Ambry Variant Classification Scheme 2023. Collection method: clinical testing. Allele origin: germline.

Labcorp Genetics (formerly Invitae), Labcorp
Classification: Uncertain significance for Hyperinsulinism-hyperammonemia syndrome. Last evaluated: 2022-06-23. Review status: criteria provided, single submitter. Criteria: Invitae Variant Classification Sherloc (09022015). Collection method: clinical testing. Allele origin: germline.
Comment: In summary, the available evidence is currently insufficient to determine the role of this variant in disease. Therefore, it has been classified as a Variant of Uncertain Significance. Algorithms developed to predict the effect of missense changes on protein structure and function are either unavailable or do not agree on the potential impact of this missense change (SIFT: "Not Available"; PolyPhen-2: "Benign"; Align-GVGD: "Not Available"). This variant has not been reported in the literature in individuals affected with GLUD1-related conditions. This variant is present in population databases (rs774880917, gnomAD 0.0009%). This sequence change replaces histidine, which is basic and polar, with arginine, which is basic and polar, at codon 321 of the GLUD1 protein (p.His321Arg).

NM_005271.5(GLUD1):c.962A>G (p.His321Arg)

Gene: GLUD1 (glutamate dehydrogenase 1; minus strand). Cytogenetic location: 10q23.2.
Variant type: single nucleotide variant.
Coding change: c.962A>G on transcript NM_005271.5 (MANE Select); coding-DNA position 962, A replaced by G.
Protein change: p.His321Arg; replaces histidine 321 with arginine.
Molecular consequence: missense variant.
Genome position (GRCh38, 1-based): chr10:87,061,012, T>C on the plus strand (A>G on the coding strand, the complement: GLUD1 is on the minus strand). VCF-style: chr10-87061012-T-C. GRCh37 (hg19) VCF-style: chr10-88820769-T-C.
Other names: c.962A>G (NM_005271.3); c.563A>G, p.His188Arg (NM_001318900.1); c.461A>G, p.His154Arg (NM_001318901.1, NM_001318902.1, NM_001318904.2 and 2 more transcripts); short protein forms H154R, H321R, H188R.
Identifiers: ClinVar variation 2061466 (VCV002061466.5), dbSNP rs774880917, ClinGen allele CA5587536.
Genomic context (GRCh38, chr10:87,061,012, plus strand): 5'-TCTGGATTCCATATACTCCCATCAGACTCACCAACAGCAATACATTTAGCACCAAAACGA[T>C]GTAAATATCTCATAGAGTGTAGGCCCACATTACCAAATCCCTGTGAAGAACAATTACCCA-3'
Protein context (NP_005262.1, residues 311-331): NVGLHSMRYL[His321Arg]RFGAKCIAVG